The following is an entry in ClinVar:

NM_001013703.4(EIF2AK4):c.360+4A>G

Gene: EIF2AK4 (eukaryotic translation initiation factor 2 alpha kinase 4; plus strand). Cytogenetic location: 15q15.1.
Variant type: single nucleotide variant.
Coding change: c.360+4A>G on transcript NM_001013703.4 (MANE Select); 4 bases into the intron after coding-DNA position 360, A replaced by G.
Molecular consequence: intron variant.
Genome position (GRCh38, 1-based): chr15:39,943,489, A>G. VCF-style: chr15-39943489-A-G. GRCh37 (hg19) VCF-style: chr15-40235690-A-G.
Identifiers: ClinVar variation 1524233 (VCV001524233.4), dbSNP rs370266765, ClinGen allele CA7473477.

ClinVar aggregate classification (germline): Uncertain significance (1 of 4 stars; one submission).

Allele frequency attached by ClinVar (database versions not stated): gnomAD exomes 0.00001 and 0.00004; ExAC 0.00006; TOPMed 0.00018; gnomAD 0.00019 and 0.00020; 1000 Genomes Project 0.00020; ESP Exome Variant Server 0.00025; 1000 Genomes Project 30x 0.00047.
gnomAD v4.1: 46 of 1,571,640 alleles (0.0029%); highest among the groups gnomAD compares: African/African-American, 0.064%; no homozygotes.

Submissions (2):

Labcorp Genetics (formerly Invitae), Labcorp
Classification: Uncertain significance. Last evaluated: 2021-11-15. Review status: criteria provided, single submitter. Criteria: Invitae Variant Classification Sherloc (09022015). Collection method: clinical testing. Allele origin: germline.
Comment: This sequence change falls in intron 3 of the EIF2AK4 gene. It does not directly change the encoded amino acid sequence of the EIF2AK4 protein. It affects a nucleotide within the consensus splice site. This variant is present in population databases (rs370266765, gnomAD 0.07%). This variant has not been reported in the literature in individuals affected with EIF2AK4-related conditions. Variants that disrupt the consensus splice site are a relatively common cause of aberrant splicing (PMID: 17576681, 9536098). Algorithms developed to predict the effect of sequence changes on RNA splicing suggest that this variant may disrupt the consensus splice site. In summary, the available evidence is currently insufficient to determine the role of this variant in disease. Therefore, it has been classified as a Variant of Uncertain Significance.

Dr. Peter K. Rogan Lab, Western University
No classification provided (evidence only). Condition: Acute myeloid leukemia. Review status: no classification provided. Collection method: in vitro. Allele origin: not applicable. Functional consequence: retained intron. Not counted in ClinVar's aggregate classification.

Literature cited by the submitters: PubMed 17576681 (cited by Labcorp Genetics (formerly Invitae), Labcorp); PubMed 9536098 (cited by Labcorp Genetics (formerly Invitae), Labcorp).